The following is an entry in ClinVar:

ClinVar aggregate classification (germline): Uncertain significance. Review status: criteria provided, multiple submitters, no conflicts (2 of 4 stars). 2 submissions from 2 submitters: Uncertain significance (2). Last evaluated 2025-06-19.

Conditions:
Cardiovascular phenotype. Identifiers: MedGen CN230736.

Allele frequency attached by ClinVar (database versions not stated): gnomAD exomes 0.00005; TOPMed 0.00005; gnomAD 0.00003.
gnomAD v4.1: 69 of 1,613,010 alleles (0.0043%); highest among the groups gnomAD compares: Middle Eastern, 0.016%; no homozygotes.

Submissions (2):

Women's Health and Genetics/Laboratory Corporation of America, LabCorp
Classification: Uncertain significance. Last evaluated: 2025-06-19. Review status: criteria provided, single submitter. Criteria: LabCorp Variant Classification Summary - May 2015. Collection method: clinical testing. Allele origin: germline.
Comment: Variant summary: TNXB c.1795G>A (p.Val599Met) results in a conservative amino acid change in the encoded protein sequence. Algorithms developed to predict the effect of missense changes on protein structure and function all suggest that this variant is likely to be tolerated. The variant allele was found at a frequency of 1.2e-05 in 241438 control chromosomes. The available data on variant occurrences in the general population are insufficient to allow any conclusion about variant significance. To our knowledge, no occurrence of c.1795G>A in individuals affected with Ehlers-Danlos syndrome due to tenascin-X deficiency and no experimental evidence demonstrating its impact on protein function have been reported. ClinVar contains an entry for this variant (Variation ID: 1780255). Based on the evidence outlined above, the variant was classified as uncertain significance.

Ambry Genetics
Classification: Uncertain significance for Cardiovascular phenotype. Last evaluated: 2025-05-25. Review status: criteria provided, single submitter. Criteria: Ambry Variant Classification Scheme 2023. Collection method: clinical testing. Allele origin: germline.

NM_001365276.2(TNXB):c.1795G>A (p.Val599Met)

Gene: TNXB (tenascin XB; minus strand). Cytogenetic location: 6p21.33.
Variant type: single nucleotide variant.
Coding change: c.1795G>A on transcript NM_001365276.2 (MANE Select); coding-DNA position 1795, G replaced by A.
Protein change: p.Val599Met; replaces valine 599 with methionine.
Molecular consequence: missense variant.
Genome position (GRCh38, 1-based): chr6:32,096,058, C>T on the plus strand (G>A on the coding strand, the complement: TNXB is on the minus strand). VCF-style: chr6-32096058-C-T. GRCh37 (hg19) VCF-style: chr6-32063835-C-T.
Other names: c.1795G>A, p.Val599Met (NM_019105.8); short protein forms V599M.
Identifiers: ClinVar variation 1780255 (VCV001780255.5), dbSNP rs1249632506, ClinGen allele CA363477366.